The following is an entry in ClinVar:

ClinVar aggregate classification (germline): Uncertain significance (1 of 4 stars; one submission).

Conditions:
Kabuki syndrome. Also called: NIIKAWA-KUROKI SYNDROME; Kabuki make-up syndrome. Identifiers: Orphanet 2322, MedGen C0796004, MONDO:0016512.

gnomAD v4.1: 1 of 1,609,980 alleles (0.000062%); highest among the groups gnomAD compares: African/African-American, 0.0013%; no homozygotes.

Submission:

Labcorp Genetics (formerly Invitae), Labcorp
Classification: Uncertain significance for Kabuki syndrome. Last evaluated: 2025-02-15. Review status: criteria provided, single submitter. Criteria: Invitae Variant Classification Sherloc (09022015). Collection method: clinical testing. Allele origin: germline.
Comment: This sequence change replaces alanine, which is neutral and non-polar, with valine, which is neutral and non-polar, at codon 1333 of the KMT2D protein (p.Ala1333Val). This variant is present in population databases (rs755655617, gnomAD no frequency). This variant has not been reported in the literature in individuals affected with KMT2D-related conditions. Invitae Evidence Modeling of protein sequence and biophysical properties (such as structural, functional, and spatial information, amino acid conservation, physicochemical variation, residue mobility, and thermodynamic stability) indicates that this missense variant is not expected to disrupt KMT2D protein function with a negative predictive value of 95%. In summary, the available evidence is currently insufficient to determine the role of this variant in disease. Therefore, it has been classified as a Variant of Uncertain Significance.

NM_003482.4(KMT2D):c.3998C>T (p.Ala1333Val)

Genes: KMT2D (lysine methyltransferase 2D; minus strand), LOC126861520 (CDK7 strongly-dependent group 2 enhancer GRCh37_chr12:49442744-49443943; plus strand). Cytogenetic location: 12q13.12.
Variant type: single nucleotide variant.
Coding change: c.3998C>T on transcript NM_003482.4 (MANE Select); coding-DNA position 3998, C replaced by T.
Protein change: p.Ala1333Val; replaces alanine 1333 with valine.
Molecular consequence: missense variant.
Genome position (GRCh38, 1-based): chr12:49,049,127, G>A on the plus strand (C>T on the coding strand, the complement: KMT2D is on the minus strand). VCF-style: chr12-49049127-G-A. GRCh37 (hg19) VCF-style: chr12-49442910-G-A.
Other names: short protein forms A1333V.
Identifiers: ClinVar variation 4763855 (VCV004763855.1).